The following is an entry in ClinVar:

NM_006767.4(LZTR1):c.1616-2A>G

Gene: LZTR1 (leucine zipper like post translational regulator 1; plus strand). Cytogenetic location: 22q11.21.
Variant type: single nucleotide variant.
Coding change: c.1616-2A>G on transcript NM_006767.4 (MANE Select); the canonical splice acceptor site of the intron before coding-DNA position 1616, A replaced by G.
Molecular consequence: splice acceptor variant.
Genome position (GRCh38, 1-based): chr22:20,994,556, A>G. VCF-style: chr22-20994556-A-G. GRCh37 (hg19) VCF-style: chr22-21348845-A-G.
Identifiers: ClinVar variation 1481450 (VCV001481450.12), dbSNP rs1328046881, ClinGen allele CA410776426.
Genomic context (GRCh38, chr22:20,994,556, plus strand): 5'-TGCGCCCTGTGCCCTGCCCTCCCCTCTCCGGCTCCCTGAGATTCGGGGGCTCTGGGGCGC[A>G]GGCCATGTGGAGGATGTGCTGCTCATCATGGATGTGTACAAACTGGCACTGAGCTTCCAG-3'

ClinVar aggregate classification (germline): Likely pathogenic. Review status: criteria provided, multiple submitters, no conflicts (2 of 4 stars). 4 submissions from 4 submitters: Likely pathogenic (4). Last evaluated 2025-09-27.

Conditions:
Hereditary cancer-predisposing syndrome. Also called: Hereditary Cancer Syndrome; Hereditary neoplastic syndrome; Tumor predisposition; Neoplastic Syndromes, Hereditary. Identifiers: Orphanet 140162, MedGen C0027672, MeSH D009386, MONDO:0015356.
Cardiovascular phenotype. Identifiers: MedGen CN230736.
LZTR1-related schwannomatosis. Also called: Schwannomatosis-2, susceptibility to; Schwannomatosis 2. Identifiers: Orphanet 93921, MedGen C3810283, MONDO:0014299, OMIM 615670.
Noonan syndrome 2 (NS2). Identifiers: Orphanet 648, MedGen C1854469, MONDO:0011531, OMIM 605275.
Noonan syndrome 10 (NS10). Identifiers: Orphanet 648, MedGen C4225280, MONDO:0014693, OMIM 616564.

Allele frequency attached by ClinVar (database versions not stated): gnomAD exomes below 0.00001.
gnomAD v4.1: 3 of 1,608,310 alleles (0.00019%); highest among the groups gnomAD compares: South Asian, 0.0011%; no homozygotes.

Submissions (4):

Labcorp Genetics (formerly Invitae), Labcorp
Classification: Likely pathogenic. Last evaluated: 2025-09-27. Review status: criteria provided, single submitter. Criteria: Invitae Variant Classification Sherloc (09022015). Collection method: clinical testing. Allele origin: germline.
Comment: This sequence change affects an acceptor splice site in intron 14 of the LZTR1 gene. It is expected to disrupt RNA splicing. Variants that disrupt the donor or acceptor splice site typically lead to a loss of protein function (PMID: 16199547), and loss-of-function variants in LZTR1 are known to be pathogenic (PMID: 24362817, 25335493, 25480913, 25795793, 29469822, 30368668, 30442762, 30442766, 30481304, 30859559). This variant is present in population databases (no rsID available, gnomAD 0.01%). Disruption of this splice site has been observed in individual(s) with LZTR1-related conditions (internal data). ClinVar contains an entry for this variant (Variation ID: 1481450). Algorithms developed to predict the effect of sequence changes on RNA splicing suggest that this variant may disrupt the consensus splice site. In summary, the currently available evidence indicates that the variant is pathogenic, but additional data are needed to prove that conclusively. Therefore, this variant has been classified as Likely Pathogenic.

Ambry Genetics
Classification: Likely pathogenic for Cardiovascular phenotype; Hereditary cancer-predisposing syndrome. Last evaluated: 2025-07-28. Review status: criteria provided, single submitter. Criteria: Ambry Variant Classification Scheme 2023. Collection method: clinical testing. Allele origin: germline.
Comment: The c.1616-2A>G intronic variant results from an A to G substitution two nucleotides upstream from coding exon 15 in the LZTR1 gene. This nucleotide position is highly conserved in available vertebrate species. In silico splice site analysis predicts that this alteration will weaken the native splice acceptor site. Alterations that disrupt the canonical splice site are expected to cause aberrant splicing, resulting in an abnormal protein or a transcript that is subject to nonsense-mediated mRNA decay. Loss-of-function variants in LZTR1 are related to an increased risk for schwannomas and autosomal recessive Noonan syndrome; however, such associations with autosomal dominant Noonan syndrome have not been observed (Piotrowski A et al. Nat Genet. 2014 Feb;46:182-7; Yamamoto GL et al. J Med Genet. 2015 Jun;52:413-21; Johnston JJ et al. Genet Med. 2018 10;20:1175-1185). Based on the supporting evidence, this variant is likely pathogenic for an increased risk of LZTR1-related schwannomatosis (SWN) and would be expected to cause autosomal recessive Noonan syndrome when present along with a second pathogenic or likely pathogenic variant on the other allele; however, the association of this alteration with autosomal dominant Noonan syndrome is unlikely.

Baylor Genetics
Classification: Likely pathogenic for LZTR1-related schwannomatosis. Last evaluated: 2024-02-13. Review status: criteria provided, single submitter. Criteria: ACMG Guidelines, 2015. Collection method: clinical testing. Allele origin: unknown.

Juno Genomics, Hangzhou Juno Genomics, Inc
Classification: Likely pathogenic for LZTR1-related schwannomatosis; Noonan syndrome 10; Noonan syndrome 2. Review status: criteria provided, single submitter. Criteria: ACMG Guidelines, 2015. Collection method: clinical testing. Allele origin: germline.
Comment: Null variant in a gene where loss of function (LOF) is a known mechanism of disease.;Absent from controls (or at extremely low frequency if recessive) in Genome Aggregation Database.

Literature cited by the submitters: PubMed 16199547 (cited by Labcorp Genetics (formerly Invitae), Labcorp); PubMed 24362817 (cited by Labcorp Genetics (formerly Invitae), Labcorp); PubMed 25335493 (cited by Labcorp Genetics (formerly Invitae), Labcorp); PubMed 25480913 (cited by Labcorp Genetics (formerly Invitae), Labcorp); PubMed 25795793 (cited by Labcorp Genetics (formerly Invitae), Labcorp); PubMed 29469822 (cited by Labcorp Genetics (formerly Invitae), Labcorp); PubMed 30368668 (cited by Labcorp Genetics (formerly Invitae), Labcorp); PubMed 30442762 (cited by Labcorp Genetics (formerly Invitae), Labcorp); PubMed 30442766 (cited by Labcorp Genetics (formerly Invitae), Labcorp); PubMed 30481304 (cited by Labcorp Genetics (formerly Invitae), Labcorp); PubMed 30859559 (cited by Labcorp Genetics (formerly Invitae), Labcorp).